The following is an entry in ClinVar:

ClinVar aggregate classification (germline): Conflicting classifications of pathogenicity. Review status: criteria provided, conflicting classifications (1 of 4 stars). 2 submissions from 2 submitters: Uncertain significance (1); Likely benign (1). Last evaluated 2018-01-12.

Conditions:
Diabetic retinopathy. Identifiers: MedGen C0011884, MONDO:0005266.
Loeys-Dietz syndrome 2 (LDS2). Also called: AORTIC ANEURYSM, FAMILIAL THORACIC 3; MARFAN SYNDROME, TYPE II; Marfan syndrome, type 2 (formerly); TGFBR2-Related Loeys-Dietz Syndrome; Marfan Syndrome type 2; Marfan like connective tissue disorder. Identifiers: Orphanet 284973, Orphanet 558, MedGen C2674574, MONDO:0012427, OMIM 610168.

Submissions (2):

Illumina Laboratory Services, Illumina
Classification: Uncertain significance for Loeys-Dietz syndrome 2. Last evaluated: 2018-01-12. Review status: criteria provided, single submitter. Criteria: ICSL Variant Classification Criteria 13 December 2019. Collection method: clinical testing. Allele origin: germline.

Clinical Genomics, Uppaluri K&H Personalized Medicine Clinic
Classification: Likely benign for Diabetic retinopathy. Review status: criteria provided, single submitter. Criteria: K And H Uppaluri Personalized Medicine Clinic Variant Classification And Assertion Criteria Updated V 2. Collection method: research. Allele origin: unknown.
Comment: Potent mutations in TGFBR2 gene encodes the transforming growth factor that have been associated with angiogenesis and diabetic retinopathy. More clinical studies are needed for stronger association. However, more evidence is required to confer the association of this particular variant rs1697919506 with diabetic retinopathy.

Literature cited by the submitters: PubMed 30222965 (cited by Clinical Genomics, Uppaluri K&H Personalized Medicine Clinic); DOI 10.5283/epub.35720 (cited by Clinical Genomics, Uppaluri K&H Personalized Medicine Clinic); PubMed 34572573 (cited by Clinical Genomics, Uppaluri K&H Personalized Medicine Clinic); PubMed 28162229 (cited by Clinical Genomics, Uppaluri K&H Personalized Medicine Clinic); DOI 10.1007/s00125-019-4946-6 (cited by Clinical Genomics, Uppaluri K&H Personalized Medicine Clinic).

NM_003242.5(TGFBR2):c.-388C>T

Gene: TGFBR2 (transforming growth factor beta receptor 2; plus strand). Cytogenetic location: 3p24.1.
Variant type: single nucleotide variant.
Coding change: c.-388C>T on transcript NM_003242.5; 388 bases upstream of the start codon, C replaced by T.
Molecular consequence: 5 prime UTR variant (on NM_001407129.1).
Genome position (GRCh38, 1-based): chr3:30,606,496, C>T. VCF-style: chr3-30606496-C-T. GRCh37 (hg19) VCF-style: chr3-30647988-C-T.
Other names: c.-109C>T (NM_001407129.1, NM_001407132.1).
Identifiers: ClinVar variation 901331 (VCV000901331.7), dbSNP rs1697919506, ClinGen allele CA1139657937.